The following is an entry in ClinVar:

NM_005629.4(SLC6A8):c.445A>G (p.Ile149Val)

Gene: SLC6A8 (solute carrier family 6 member 8; plus strand). Cytogenetic location: Xq28.
Variant type: single nucleotide variant.
Coding change: c.445A>G on transcript NM_005629.4 (MANE Select); coding-DNA position 445, A replaced by G.
Protein change: p.Ile149Val; replaces isoleucine 149 with valine.
Molecular consequence: missense variant.
Genome position (GRCh38, 1-based): chrX:153,691,354, A>G. VCF-style: chrX-153691354-A-G. GRCh37 (hg19) VCF-style: chrX-152956809-A-G.
Other names: c.445A>G, p.Ile149Val (NM_001142805.2); c.100A>G, p.Ile34Val (NM_001142806.1); short protein forms I149V, I34V.
Identifiers: ClinVar variation 3371955 (VCV003371955.1).

ClinVar aggregate classification (germline): Uncertain significance (1 of 4 stars; one submission).

Submission:

GeneDx
Classification: Uncertain significance. Last evaluated: 2024-04-03. Review status: criteria provided, single submitter. Criteria: GeneDx Variant Classification Process June 2021. Collection method: clinical testing. Allele origin: germline. Affected: yes.
Comment: Not observed at significant frequency in large population cohorts (gnomAD); In silico analysis supports that this missense variant does not alter protein structure/function; Has not been previously published as pathogenic or benign to our knowledge